The following is an entry in ClinVar:

ClinVar aggregate classification (germline): Uncertain significance (1 of 4 stars; one submission).

Conditions:
Inborn genetic diseases. Identifiers: MedGen C0950123, MeSH D030342.

Submission:

Ambry Genetics
Classification: Uncertain significance for Inborn genetic diseases. Last evaluated: 2024-08-16. Review status: criteria provided, single submitter. Criteria: Ambry Variant Classification Scheme 2023. Collection method: clinical testing. Allele origin: germline.
Comment: The p.P1686S variant (also known as c.5056C>T), located in coding exon 29 of the ATR gene, results from a C to T substitution at nucleotide position 5056. The proline at codon 1686 is replaced by serine, an amino acid with similar properties. This amino acid position is conserved. In addition, the in silico prediction for this alteration is inconclusive. Based on the available evidence, the clinical significance of this variant remains unclear.

NM_001184.4(ATR):c.5056C>T (p.Pro1686Ser)

Gene: ATR (ATR serine/threonine kinase; minus strand). Cytogenetic location: 3q23.
Variant type: single nucleotide variant.
Coding change: c.5056C>T on transcript NM_001184.4 (MANE Select); coding-DNA position 5056, C replaced by T.
Protein change: p.Pro1686Ser; replaces proline 1686 with serine.
Molecular consequence: missense variant.
Genome position (GRCh38, 1-based): chr3:142,505,279, G>A on the plus strand (C>T on the coding strand, the complement: ATR is on the minus strand). VCF-style: chr3-142505279-G-A. GRCh37 (hg19) VCF-style: chr3-142224121-G-A.
Other names: c.4864C>T, p.Pro1622Ser (NM_001354579.2); short protein forms P1686S, P1622S.
Identifiers: ClinVar variation 3462531 (VCV003462531.1).